The following is an entry in ClinVar:

ClinVar aggregate classification (germline): Pathogenic (1 of 4 stars; one submission).

Conditions:
Duchenne muscular dystrophy (DMD). Also called: Duchenne Muscular Dystrophy (DMD); MUSCULAR DYSTROPHY, PSEUDOHYPERTROPHIC PROGRESSIVE, DUCHENNE TYPE. Identifiers: Orphanet 98896, MedGen C0013264, MONDO:0010679, OMIM 310200.

Submission:

Labcorp Genetics (formerly Invitae), Labcorp
Classification: Pathogenic for Duchenne muscular dystrophy. Last evaluated: 2023-11-15. Review status: criteria provided, single submitter. Criteria: Invitae Variant Classification Sherloc (09022015). Collection method: clinical testing. Allele origin: germline.
Comment: This variant is a gross deletion of the genomic region encompassing exon(s) 3-16 of the DMD gene. This variant would be expected to be in-frame, preserving the integrity of the reading frame. A similar copy number variant has been observed in individuals with DMD-related conditions (PMID: 12111668, 21851881; Invitae). For these reasons, this variant has been classified as Pathogenic.

Literature cited by the submitters: PubMed 12111668; PubMed 21851881.

NC_000023.10:g.(?_32583799)_(32867957_?)del

Gene: DMD (dystrophin; minus strand). Cytogenetic location: Xp21.1.
Variant type: Deletion.
Identifiers: ClinVar variation 1459739 (VCV001459739.6).